The following is an entry in ClinVar:

NM_013382.7(POMT2):c.1006+10T>C

Gene: POMT2 (protein O-mannosyltransferase 2; minus strand). Cytogenetic location: 14q24.3.
Variant type: single nucleotide variant.
Coding change: c.1006+10T>C on transcript NM_013382.7 (MANE Select); 10 bases into the intron after coding-DNA position 1006, T replaced by C.
Molecular consequence: intron variant.
Genome position (GRCh38, 1-based): chr14:77,298,679, A>G on the plus strand (T>C on the coding strand, the complement: POMT2 is on the minus strand). VCF-style: chr14-77298679-A-G. GRCh37 (hg19) VCF-style: chr14-77765022-A-G.
Identifiers: ClinVar variation 2684311 (VCV002684311.1), dbSNP rs2503262018, ClinGen allele CA2697554065.

ClinVar aggregate classification (germline): Uncertain significance (1 of 4 stars; one submission).

Submission:

Athena Diagnostics
Classification: Uncertain significance. Last evaluated: 2023-02-09. Review status: criteria provided, single submitter. Criteria: Athena Diagnostics Criteria. Collection method: clinical testing. Allele origin: unknown.
Comment: Available data are insufficient to determine the clinical significance of the variant at this time. This variant has not been reported in large, multi-ethnic general populations. Computational tools yielded predictions that this variant is unlikely to have an effect on normal RNA splicing.